The following is an entry in ClinVar:

NM_001042492.3(NF1):c.7297A>G (p.Thr2433Ala)

Gene: NF1 (neurofibromin 1; plus strand). Cytogenetic location: 17q11.2.
Variant type: single nucleotide variant.
Coding change: c.7297A>G on transcript NM_001042492.3 (MANE Select); coding-DNA position 7297, A replaced by G.
Protein change: p.Thr2433Ala; replaces threonine 2433 with alanine.
Molecular consequence: missense variant.
Genome position (GRCh38, 1-based): chr17:31,349,227, A>G. VCF-style: chr17-31349227-A-G. GRCh37 (hg19) VCF-style: chr17-29676245-A-G.
Other names: c.7234A>G, p.Thr2412Ala (NM_000267.4); short protein forms T2433A, T2412A.
Identifiers: ClinVar variation 826923 (VCV000826923.14), dbSNP rs1597858568, ClinGen allele CA399016880.
Genomic context (GRCh38, chr17:31,349,227, plus strand): 5'-TTACATACACTACTAACTCTGGTTAACAAACACAGAAATTGTGACAAATTTGAAGTGAAT[A>G]CACAGAGCGTGGCCTACTTAGCAGGTAAAAACACAAAATAAACAAAATTAATCTTGCTAC-3'
Protein context (NP_001035957.1, residues 2423-2443): HRNCDKFEVN[Thr2433Ala]QSVAYLAALL

ClinVar aggregate classification (germline): Conflicting classifications of pathogenicity. Review status: criteria provided, conflicting classifications (1 of 4 stars). 4 submissions from 4 submitters: Uncertain significance (3); Benign (1). Last evaluated 2025-12-16.

Conditions:
Hereditary cancer-predisposing syndrome. Also called: Neoplastic Syndromes, Hereditary; Hereditary Cancer Syndrome; Hereditary neoplastic syndrome; Tumor predisposition. Identifiers: Orphanet 140162, MedGen C0027672, MeSH D009386, MONDO:0015356.
Cardiovascular phenotype. Identifiers: MedGen CN230736.
Juvenile myelomonocytic leukemia (JMML). Also called: LEUKEMIA, JUVENILE MYELOMONOCYTIC, SOMATIC. Identifiers: Orphanet 86834, MedGen C0349639, MONDO:0011908, OMIM 607785, HP:0012209.
Neurofibromatosis, type 1 (NF1). Also called: Neurofibromatosis, type I; Peripheral type neurofibromatosis; VON RECKLINGHAUSEN DISEASE; NEUROFIBROMATOSIS, TYPE I, SOMATIC. Identifiers: Orphanet 636, MedGen C0027831, MONDO:0018975, OMIM 162200. Disease mechanism: loss of function.

Allele frequency attached by ClinVar (database versions not stated): gnomAD exomes below 0.00001.
gnomAD v4.1: 1 of 1,613,472 alleles (0.000062%); highest among the groups gnomAD compares: Non-Finnish European, 0.000085%; no homozygotes.

Submissions (4):

Labcorp Genetics (formerly Invitae), Labcorp
Classification: Benign for Neurofibromatosis, type 1. Last evaluated: 2025-12-16. Review status: criteria provided, single submitter. Criteria: Invitae Variant Classification Sherloc (09022015). Collection method: clinical testing. Allele origin: germline.

Ambry Genetics
Classification: Uncertain significance for Cardiovascular phenotype; Hereditary cancer-predisposing syndrome. Last evaluated: 2025-02-09. Review status: criteria provided, single submitter. Criteria: Ambry Variant Classification Scheme 2023. Collection method: clinical testing. Allele origin: germline.
Comment: The p.T2412A variant (also known as c.7234A>G), located in coding exon 48 of the NF1 gene, results from an A to G substitution at nucleotide position 7234. The threonine at codon 2412 is replaced by alanine, an amino acid with similar properties. This amino acid position is highly conserved in available vertebrate species. In addition, the in silico prediction for this alteration is inconclusive. Since supporting evidence is limited at this time, the clinical significance of this alteration remains unclear.

Baylor Genetics
Classification: Uncertain significance for Juvenile myelomonocytic leukemia. Last evaluated: 2024-01-08. Review status: criteria provided, single submitter. Criteria: ACMG Guidelines, 2015. Collection method: clinical testing. Allele origin: unknown.

Genome-Nilou Lab
Classification: Uncertain significance for Neurofibromatosis, type 1. Last evaluated: 2022-03-15. Review status: criteria provided, single submitter. Criteria: ACMG Guidelines, 2015. Collection method: clinical testing. Allele origin: germline. Affected: no.